The following is an entry in ClinVar:

ClinVar aggregate classification (germline): Uncertain significance. Review status: criteria provided, multiple submitters, no conflicts (2 of 4 stars). 2 submissions from 2 submitters: Uncertain significance (2). Last evaluated 2025-11-07.

Conditions:
Inborn genetic diseases. Identifiers: MedGen C0950123, MeSH D030342.
Ullrich congenital muscular dystrophy 2 (UCMD2). Identifiers: Orphanet 75840, MedGen C4225314, MONDO:0014654, OMIM 616470.
Bethlem myopathy 2 (BTHLM2). Identifiers: Orphanet 536516, Orphanet 610, MedGen C4225313, MONDO:0034022, OMIM 616471.

Submissions (2):

Ambry Genetics
Classification: Uncertain significance for Inborn genetic diseases. Last evaluated: 2025-11-07. Review status: criteria provided, single submitter. Criteria: Ambry Variant Classification Scheme 2023. Collection method: clinical testing. Allele origin: germline.

Labcorp Genetics (formerly Invitae), Labcorp
Classification: Uncertain significance for Bethlem myopathy 2; Ullrich congenital muscular dystrophy 2. Last evaluated: 2023-03-07. Review status: criteria provided, single submitter. Criteria: Invitae Variant Classification Sherloc (09022015). Collection method: clinical testing. Allele origin: germline.
Comment: In summary, the available evidence is currently insufficient to determine the role of this variant in disease. Therefore, it has been classified as a Variant of Uncertain Significance. Advanced modeling of protein sequence and biophysical properties (such as structural, functional, and spatial information, amino acid conservation, physicochemical variation, residue mobility, and thermodynamic stability) has been performed at Invitae for this missense variant, however the output from this modeling did not meet the statistical confidence thresholds required to predict the impact of this variant on COL12A1 protein function. This variant has not been reported in the literature in individuals affected with COL12A1-related conditions. This variant is not present in population databases (gnomAD no frequency). This sequence change replaces glycine, which is neutral and non-polar, with arginine, which is basic and polar, at codon 1792 of the COL12A1 protein (p.Gly1792Arg).

NM_004370.6(COL12A1):c.5374G>A (p.Gly1792Arg)

Gene: COL12A1 (collagen type XII alpha 1 chain; minus strand). Cytogenetic location: 6q13.
Variant type: single nucleotide variant.
Coding change: c.5374G>A on transcript NM_004370.6 (MANE Select); coding-DNA position 5374, G replaced by A.
Protein change: p.Gly1792Arg; replaces glycine 1792 with arginine.
Molecular consequence: missense variant.
Genome position (GRCh38, 1-based): chr6:75,137,457, C>T on the plus strand (G>A on the coding strand, the complement: COL12A1 is on the minus strand). VCF-style: chr6-75137457-C-T. GRCh37 (hg19) VCF-style: chr6-75847173-C-T.
Other names: c.5353G>A, p.Gly1785Arg (NM_001424114.1); c.5101G>A, p.Gly1701Arg (NM_001424115.1); c.1882G>A, p.Gly628Arg (NM_001424116.1, NM_080645.3); c.5374G>A (NM_004370.5); c.5374G>A, p.Gly1792Arg (NM_001424113.1); short protein forms G1701R, G1792R, G628R, G1785R.
Identifiers: ClinVar variation 2942690 (VCV002942690.4), dbSNP rs2533310491, ClinGen allele CA364737326.